The following is an entry in ClinVar:

NM_001367624.2(ZNF469):c.874G>C (p.Val292Leu)

Gene: ZNF469 (zinc finger protein 469; plus strand). Cytogenetic location: 16q24.2.
Variant type: single nucleotide variant.
Coding change: c.874G>C on transcript NM_001367624.2 (MANE Select); coding-DNA position 874, G replaced by C.
Protein change: p.Val292Leu; replaces valine 292 with leucine.
Molecular consequence: missense variant.
Genome position (GRCh38, 1-based): chr16:88,428,344, G>C. VCF-style: chr16-88428344-G-C. GRCh37 (hg19) VCF-style: chr16-88494752-G-C.
Other names: short protein forms V292L.
Identifiers: ClinVar variation 4848397 (VCV004848397.1).

ClinVar aggregate classification (germline): Uncertain significance (1 of 4 stars; one submission).

gnomAD v4.1: 6 of 1,549,498 alleles (0.00039%); highest among the groups gnomAD compares: Non-Finnish European, 0.00052%; no homozygotes.

Submission:

Women's Health and Genetics/Laboratory Corporation of America, LabCorp
Classification: Uncertain significance. Last evaluated: 2026-04-20. Review status: criteria provided, single submitter. Criteria: LabCorp Variant Classification Summary - May 2015. Collection method: clinical testing. Allele origin: germline.
Comment: Variant summary: ZNF469 c.874G>C (p.Val292Leu) results in a conservative amino acid change in the encoded protein sequence. Algorithms developed to predict the effect of missense changes on protein structure and function are either unavailable or do not agree on the potential impact of this missense change. The variant allele was found at a frequency of 2e-05 in 151958 control chromosomes. The available data on variant occurrences in the general population are insufficient to allow any conclusion about variant significance. To our knowledge, no occurrence of c.874G>C in individuals affected with ZNF469-related conditions and no experimental evidence demonstrating its impact on protein function have been reported. No submitters have cited clinical-significance assessments for this variant to ClinVar. Based on the evidence outlined above, the variant was classified as uncertain significance.